The following is an entry in ClinVar:

Conditions:
Breast-ovarian cancer, familial, susceptibility to, 1 (BROVCA1). Also called: BRCA1 Hereditary Breast and Ovarian Cancer; OVARIAN CANCER, SUSCEPTIBILITY TO. Identifiers: Orphanet 145, MedGen C2676676, MONDO:0011450, OMIM 604370. Disease mechanism: loss of function.

Submission:

Brotman Baty Institute, University of Washington
No classification provided (evidence only). Condition: Breast-ovarian cancer, familial 1. Review status: no classification provided. Collection method: in vitro. Allele origin: not applicable. Functional consequence: functionally_normal.
ClinVar note: "not provided" was previously submitted as the classification for the variant. However, the classification appeared to be based only on an observation of functional data so it was converted to no classification on 2025-07-30.

NM_007294.4(BRCA1):c.5469A>T (p.Ala1823=)

Gene: BRCA1 (BRCA1 DNA repair associated; minus strand). Cytogenetic location: 17q21.31.
Variant type: single nucleotide variant.
Coding change: c.5469A>T on transcript NM_007294.4 (MANE Select); coding-DNA position 5469, A replaced by T.
Protein change: p.Ala1823=; no amino-acid change (alanine 1823 retained).
Molecular consequence: synonymous variant. On other transcripts: missense variant (17).
Genome position (GRCh38, 1-based): chr17:43,045,801, T>A on the plus strand (A>T on the coding strand, the complement: BRCA1 is on the minus strand). VCF-style: chr17-43045801-T-A. GRCh37 (hg19) VCF-style: chr17-41197818-T-A.
Other names: c.5328A>T, p.Ala1776= (NM_001407697.1, NM_001407698.1, NM_001407724.1 and 12 more transcripts); c.5325A>T, p.Ala1775= (NM_001407732.1, NM_001407733.1, NM_001407734.1 and 18 more transcripts); c.5322A>T, p.Ala1774= (NM_001407838.1, NM_001407839.1, NM_001407841.1 and 12 more transcripts); c.5395A>T, p.Asn1799Tyr (NM_001407854.1); c.5392A>T, p.Asn1798Tyr (NM_001407858.1, NM_001407859.1, NM_001407860.1); c.5389A>T, p.Asn1797Tyr (NM_001407861.1); c.5268A>T, p.Ala1756= (NM_001407862.1); c.5265A>T, p.Ala1755= (NM_001407863.1); and 83 more; short protein forms N695Y, N1752Y, N1798Y, N1756Y, N1757Y, N1758Y, N694Y, N1751Y.
Identifiers: ClinVar variation 864913 (VCV000864913.3), dbSNP rs1597797238, ClinGen allele CA10590403.